The following is an entry in ClinVar:

NM_015272.5(RPGRIP1L):c.48T>C (p.Asp16=)

Gene: RPGRIP1L (RPGRIP1 like; minus strand). Cytogenetic location: 16q12.2.
Variant type: single nucleotide variant.
Coding change: c.48T>C on transcript NM_015272.5 (MANE Select); coding-DNA position 48, T replaced by C.
Protein change: p.Asp16=; no amino-acid change (aspartic acid 16 retained).
Molecular consequence: synonymous variant.
Genome position (GRCh38, 1-based): chr16:53,700,676, A>G on the plus strand (T>C on the coding strand, the complement: RPGRIP1L is on the minus strand). VCF-style: chr16-53700676-A-G. GRCh37 (hg19) VCF-style: chr16-53734588-A-G.
Other names: c.48T>C (NM_015272.4); c.48T>C, p.Asp16= (NM_001127897.4, NM_001308334.3, NM_001328422.2 and 2 more transcripts).
Identifiers: ClinVar variation 1549638 (VCV001549638.9), dbSNP rs1046124483, ClinGen allele CA281380105.

ClinVar aggregate classification (germline): Likely benign. Review status: criteria provided, single submitter (1 of 4 stars). 2 submissions from 2 submitters: Likely benign (1). 1 of the submissions does not count toward it. Last evaluated 2024-02-14.

Conditions:
Meckel-Gruber syndrome. Also called: Dysencephalia splachnocystica; DYSENCEPHALIA SPLANCHNOCYSTICA; GRUBER SYNDROME. Identifiers: Orphanet 564, MedGen C0265215, MONDO:0018921.
Joubert syndrome. Also called: JOUBERT-BOLTSHAUSER SYNDROME; Familial aplasia of the vermis. Identifiers: Orphanet 475, MedGen C5979921, MONDO:0018772.
RPGRIP1L-related disorder. Also called: RPGRIP1L-related condition; RPGRIP1L-related disorders. Identifiers: MedGen CN239416.

Allele frequency attached by ClinVar (database versions not stated): gnomAD exomes below 0.00001; gnomAD 0.00001; TOPMed 0.00003.
gnomAD v4.1: 7 of 1,613,556 alleles (0.00043%); highest among the groups gnomAD compares: Non-Finnish European, 0.00042%; no homozygotes.

Submissions (2):

Labcorp Genetics (formerly Invitae), Labcorp
Classification: Likely benign for Joubert syndrome; Meckel-Gruber syndrome. Last evaluated: 2024-02-14. Review status: criteria provided, single submitter. Criteria: Invitae Variant Classification Sherloc (09022015). Collection method: clinical testing. Allele origin: germline.

PreventionGenetics, part of Exact Sciences
Classification: Likely benign for RPGRIP1L-related condition. Last evaluated: 2024-05-22. Review status: no assertion criteria provided. Collection method: clinical testing. Allele origin: germline. Not counted in ClinVar's aggregate classification.
Comment: This variant is classified as likely benign based on ACMG/AMP sequence variant interpretation guidelines (Richards et al. 2015 PMID: 25741868, with internal and published modifications).